The following is an entry in ClinVar:

NM_000350.3(ABCA4):c.6339C>T (p.Ile2113=)

Gene: ABCA4 (ATP binding cassette subfamily A member 4; minus strand). Cytogenetic location: 1p22.1.
Variant type: single nucleotide variant.
Coding change: c.6339C>T on transcript NM_000350.3 (MANE Select); coding-DNA position 6339, C replaced by T.
Protein change: p.Ile2113=; no amino-acid change (isoleucine 2113 retained).
Molecular consequence: synonymous variant.
Genome position (GRCh38, 1-based): chr1:94,001,049, G>A on the plus strand (C>T on the coding strand, the complement: ABCA4 is on the minus strand). VCF-style: chr1-94001049-G-A. GRCh37 (hg19) VCF-style: chr1-94466605-G-A.
Other names: c.6117C>T, p.Ile2039= (NM_001425324.1); c.6339C>T (NM_000350.2).
Identifiers: ClinVar variation 1541457 (VCV001541457.9), dbSNP rs61750649, ClinGen allele CA956900.
Genomic context (GRCh38, chr1:94,001,049, plus strand): 5'-GGGAATCTCTTGCCTGTGGGATGTGAGGACCACAGCCCTCCCTTCTCTGATGATGCTCAC[G>A]ATGACGTTCCACAGCATGCGGCGTGCCTGGGGGTCCATCCCTGTGGTGGGCTCATCCTGG-3'
Protein context (NP_000341.2, residues 2103-2123): PQARRMLWNV[Ile2113=]VSIIREGRAV

ClinVar aggregate classification (germline): Conflicting classifications of pathogenicity. Review status: criteria provided, conflicting classifications (1 of 4 stars). 2 submissions from 2 submitters: Uncertain significance (1); Likely benign (1). Last evaluated 2025-10-14.

Allele frequency attached by ClinVar (database versions not stated): gnomAD 0.00001; gnomAD exomes 0.00001 and below 0.00001; TOPMed below 0.00001; ExAC 0.00001.
gnomAD v4.1: 6 of 1,614,056 alleles (0.00037%); highest among the groups gnomAD compares: East Asian, 0.0067%; no homozygotes.

Submissions (2):

Labcorp Genetics (formerly Invitae), Labcorp
Classification: Likely benign. Last evaluated: 2025-10-14. Review status: criteria provided, single submitter. Criteria: Invitae Variant Classification Sherloc (09022015). Collection method: clinical testing. Allele origin: germline.

GeneDx
Classification: Uncertain significance. Last evaluated: 2025-04-16. Review status: criteria provided, single submitter. Criteria: GeneDx Variant Classification Process June 2021. Collection method: clinical testing. Allele origin: germline. Affected: yes.
Comment: In silico analysis supports a deleterious effect on splicing; Has not been previously published as pathogenic or benign to our knowledge